The following is an entry in ClinVar:

NM_001184.4(ATR):c.1433A>T (p.Glu478Val)

Gene: ATR (ATR checkpoint kinase; minus strand). Cytogenetic location: 3q23.
Variant type: single nucleotide variant.
Coding change: c.1433A>T on transcript NM_001184.4 (MANE Select); coding-DNA position 1433, A replaced by T.
Protein change: p.Glu478Val; replaces glutamic acid 478 with valine.
Molecular consequence: missense variant. On other transcripts: intron variant (1).
Genome position (GRCh38, 1-based): chr3:142,560,371, T>A on the plus strand (A>T on the coding strand, the complement: ATR is on the minus strand). VCF-style: chr3-142560371-T-A. GRCh37 (hg19) VCF-style: chr3-142279213-T-A.
Other names: c.1349+872A>T (NM_001354579.2); short protein forms E478V.
Identifiers: ClinVar variation 1772547 (VCV001772547.2), dbSNP rs2108483019, ClinGen allele CA354822888.

ClinVar aggregate classification (germline): Uncertain significance (1 of 4 stars; one submission).

Conditions:
Inborn genetic diseases. Identifiers: MedGen C0950123, MeSH D030342.

Submission:

Ambry Genetics
Classification: Uncertain significance for Inborn genetic diseases. Last evaluated: 2021-07-14. Review status: criteria provided, single submitter. Criteria: Ambry Variant Classification Scheme 2023. Collection method: clinical testing. Allele origin: germline.
Comment: The p.E478V variant (also known as c.1433A>T), located in coding exon 6 of the ATR gene, results from an A to T substitution at nucleotide position 1433. The glutamic acid at codon 478 is replaced by valine, an amino acid with dissimilar properties. This amino acid position is conserved. In addition, this alteration is predicted to be tolerated by in silico analysis. Since supporting evidence is limited at this time, the clinical significance of this alteration remains unclear.